The following is an entry in ClinVar:

ClinVar aggregate classification (germline): Uncertain significance (1 of 4 stars; one submission).

Allele frequency attached by ClinVar (database versions not stated): gnomAD exomes below 0.00001; ExAC 0.00001; TOPMed 0.00001.
gnomAD v4.1: 6 of 1,570,410 alleles (0.00038%); highest among the groups gnomAD compares: Non-Finnish European, 0.00052%; no homozygotes.

Submission:

Labcorp Genetics (formerly Invitae), Labcorp
Classification: Uncertain significance. Last evaluated: 2022-09-12. Review status: criteria provided, single submitter. Criteria: Invitae Variant Classification Sherloc (09022015). Collection method: clinical testing. Allele origin: germline.
Comment: This sequence change replaces threonine, which is neutral and polar, with alanine, which is neutral and non-polar, at codon 1622 of the SBF1 protein (p.Thr1622Ala). This variant is present in population databases (rs775162013, gnomAD 0.001%). This variant has not been reported in the literature in individuals affected with SBF1-related conditions. Advanced modeling of protein sequence and biophysical properties (such as structural, functional, and spatial information, amino acid conservation, physicochemical variation, residue mobility, and thermodynamic stability) performed at Invitae indicates that this missense variant is not expected to disrupt SBF1 protein function. In summary, the available evidence is currently insufficient to determine the role of this variant in disease. Therefore, it has been classified as a Variant of Uncertain Significance.

NM_002972.4(SBF1):c.4864A>G (p.Thr1622Ala)

Gene: SBF1 (SET binding factor 1; minus strand). Cytogenetic location: 22q13.33.
Variant type: single nucleotide variant.
Coding change: c.4864A>G on transcript NM_002972.4 (MANE Select); coding-DNA position 4864, A replaced by G.
Protein change: p.Thr1622Ala; replaces threonine 1622 with alanine.
Molecular consequence: missense variant.
Genome position (GRCh38, 1-based): chr22:50,454,691, T>C on the plus strand (A>G on the coding strand, the complement: SBF1 is on the minus strand). VCF-style: chr22-50454691-T-C. GRCh37 (hg19) VCF-style: chr22-50893120-T-C.
Other names: c.4789A>G, p.Thr1597Ala (NM_001365819.1); c.4867A>G, p.Thr1623Ala (NM_001410794.1); c.4786A>G, p.Thr1596Ala (NM_001410795.1); c.4864A>G, p.Thr1622Ala (NM_197971.1); short protein forms T1623A, T1622A, T1597A, T1596A.
Identifiers: ClinVar variation 1967324 (VCV001967324.2), dbSNP rs775162013, ClinGen allele CA10316090.
Genomic context (GRCh38, chr22:50,454,691, plus strand): 5'-CAGGGGGCCCCTGGGCCAGTTCCCAGTCATAGGGAGGGCCCTCGGCCAGCGTCTCCTCAG[T>C]GTAGAAGTCCCACACCTTCAGGTTGGACACGTTGCTGTAGGGCCGCAGGACCTGAGGGTG-3'
Protein context (NP_002963.2, residues 1612-1632): VSNLKVWDFY[Thr1622Ala]EETLAEGPPY